The following is an entry in ClinVar:

NM_020433.5(JPH2):c.2078A>T (p.His693Leu)

Gene: JPH2 (junctophilin 2; minus strand). Cytogenetic location: 20q13.12.
Variant type: single nucleotide variant.
Coding change: c.2078A>T on transcript NM_020433.5 (MANE Select); coding-DNA position 2078, A replaced by T.
Protein change: p.His693Leu; replaces histidine 693 with leucine.
Molecular consequence: missense variant.
Genome position (GRCh38, 1-based): chr20:44,114,809, T>A on the plus strand (A>T on the coding strand, the complement: JPH2 is on the minus strand). VCF-style: chr20-44114809-T-A. GRCh37 (hg19) VCF-style: chr20-42743449-T-A.
Other names: short protein forms H693L.
Identifiers: ClinVar variation 1785488 (VCV001785488.2), dbSNP rs2072174687, ClinGen allele CA409099340.

ClinVar aggregate classification (germline): Uncertain significance (1 of 4 stars; one submission).

Conditions:
Cardiovascular phenotype. Identifiers: MedGen CN230736.

Submission:

Ambry Genetics
Classification: Uncertain significance for Cardiovascular phenotype. Last evaluated: 2022-08-27. Review status: criteria provided, single submitter. Criteria: Ambry Variant Classification Scheme 2023. Collection method: clinical testing. Allele origin: germline.
Comment: The p.H693L variant (also known as c.2078A>T), located in coding exon 5 of the JPH2 gene, results from an A to T substitution at nucleotide position 2078. The histidine at codon 693 is replaced by leucine, an amino acid with similar properties. This amino acid position is conserved. In addition, the in silico prediction for this alteration is inconclusive. Since supporting evidence is limited at this time, the clinical significance of this alteration remains unclear.